The following is an entry in ClinVar:

NM_001365276.2(TNXB):c.8602G>A (p.Glu2868Lys)

Gene: TNXB (tenascin XB; minus strand). Cytogenetic location: 6p21.33.
Variant type: single nucleotide variant.
Coding change: c.8602G>A on transcript NM_001365276.2 (MANE Select); coding-DNA position 8602, G replaced by A.
Protein change: p.Glu2868Lys; replaces glutamic acid 2868 with lysine.
Molecular consequence: missense variant.
Genome position (GRCh38, 1-based): chr6:32,053,577, C>T on the plus strand (G>A on the coding strand, the complement: TNXB is on the minus strand). VCF-style: chr6-32053577-C-T. GRCh37 (hg19) VCF-style: chr6-32021354-C-T.
Other names: c.8596G>A, p.Glu2866Lys (NM_019105.8); short protein forms E2866K, E2868K.
Identifiers: ClinVar variation 1804502 (VCV001804502.4), dbSNP rs764870462, ClinGen allele CA3733789.

ClinVar aggregate classification (germline): Uncertain significance. Review status: criteria provided, multiple submitters, no conflicts (2 of 4 stars). 2 submissions from 2 submitters: Uncertain significance (2). Last evaluated 2025-11-26.

Conditions:
Cardiovascular phenotype. Identifiers: MedGen CN230736.

Allele frequency attached by ClinVar (database versions not stated): gnomAD 0.00002; TOPMed 0.00002; ExAC 0.00001.
gnomAD v4.1: 43 of 1,613,660 alleles (0.0027%); highest among the groups gnomAD compares: East Asian, 0.0045%; no homozygotes.

Submissions (2):

Ambry Genetics
Classification: Uncertain significance for Cardiovascular phenotype. Last evaluated: 2025-11-26. Review status: criteria provided, single submitter. Criteria: Ambry Variant Classification Scheme 2023. Collection method: clinical testing. Allele origin: germline.

GeneDx
Classification: Uncertain significance. Last evaluated: 2022-06-15. Review status: criteria provided, single submitter. Criteria: GeneDx Variant Classification Process June 2021. Collection method: clinical testing. Allele origin: germline. Affected: yes.
Comment: Not observed at significant frequency in large population cohorts (gnomAD); In silico analysis supports that this missense variant does not alter protein structure/function; Has not been previously published as pathogenic or benign to our knowledge